The following is an entry in ClinVar:

ClinVar aggregate classification (germline): Likely pathogenic (1 of 4 stars; one submission).

gnomAD v4.1: 2 of 1,613,554 alleles (0.00012%); highest among the groups gnomAD compares: Non-Finnish European, 0.000085%; no homozygotes.

Submission:

Labcorp Genetics (formerly Invitae), Labcorp
Classification: Likely pathogenic. Last evaluated: 2024-06-19. Review status: criteria provided, single submitter. Criteria: Invitae Variant Classification Sherloc (09022015). Collection method: clinical testing. Allele origin: germline.
Comment: This sequence change affects an acceptor splice site in intron 1 of the DGAT1 gene. It is expected to disrupt RNA splicing. Variants that disrupt the donor or acceptor splice site typically lead to a loss of protein function (PMID: 16199547), and loss-of-function variants in DGAT1 are known to be pathogenic (PMID: 29604290). The frequency data for this variant in the population databases is considered unreliable, as metrics indicate poor data quality at this position in the gnomAD database. This variant has not been reported in the literature in individuals affected with DGAT1-related conditions. Algorithms developed to predict the effect of sequence changes on RNA splicing suggest that this variant may disrupt the consensus splice site. In summary, the currently available evidence indicates that the variant is pathogenic, but additional data are needed to prove that conclusively. Therefore, this variant has been classified as Likely Pathogenic.

Literature cited by the submitters: PubMed 16199547; PubMed 29604290.

NM_012079.6(DGAT1):c.201-2A>G

Gene: DGAT1 (diacylglycerol O-acyltransferase 1; minus strand). Cytogenetic location: 8q24.3.
Variant type: single nucleotide variant.
Coding change: c.201-2A>G on transcript NM_012079.6 (MANE Select); the canonical splice acceptor site of the intron before coding-DNA position 201, A replaced by G.
Molecular consequence: splice acceptor variant.
Genome position (GRCh38, 1-based): chr8:144,321,410, T>C on the plus strand (A>G on the coding strand, the complement: DGAT1 is on the minus strand). VCF-style: chr8-144321410-T-C. GRCh37 (hg19) VCF-style: chr8-145545073-T-C.
Identifiers: ClinVar variation 3694455 (VCV003694455.2).